The following is an entry in ClinVar:

ClinVar aggregate classification (germline): Uncertain significance (1 of 4 stars; one submission).

Conditions:
Catecholaminergic polymorphic ventricular tachycardia 1. Also called: VENTRICULAR TACHYCARDIA, CATECHOLAMINERGIC POLYMORPHIC, 1, WITH OR WITHOUT ATRIAL DYSFUNCTION AND/OR DILATED CARDIOMYOPATHY; VENTRICULAR TACHYCARDIA, STRESS-INDUCED POLYMORPHIC 1; RYR2-Related Catecholaminergic Polymorphic Ventricular Tachycardia. Identifiers: Orphanet 3286, MedGen C1631597, MONDO:0011484, OMIM 604772.

Submission:

Labcorp Genetics (formerly Invitae), Labcorp
Classification: Uncertain significance for Catecholaminergic polymorphic ventricular tachycardia 1. Last evaluated: 2019-06-18. Review status: criteria provided, single submitter. Criteria: Invitae Variant Classification Sherloc (09022015). Collection method: clinical testing. Allele origin: germline.
Comment: This sequence change replaces threonine with asparagine at codon 85 of the RYR2 protein (p.Thr85Asn). The threonine residue is moderately conserved and there is a small physicochemical difference between threonine and asparagine. In summary, the available evidence is currently insufficient to determine the role of this variant in disease. Therefore, it has been classified as a Variant of Uncertain Significance. Algorithms developed to predict the effect of missense changes on protein structure and function are either unavailable or do not agree on the potential impact of this missense change (SIFT: "Deleterious"; PolyPhen-2: "Probably Damaging"; Align-GVGD: "Class C0"). This variant has not been reported in the literature in individuals with RYR2-related conditions. This variant is not present in population databases (ExAC no frequency).

NM_001035.3(RYR2):c.254C>A (p.Thr85Asn)

Gene: RYR2 (ryanodine receptor 2; plus strand). Cytogenetic location: 1q43.
Variant type: single nucleotide variant.
Coding change: c.254C>A on transcript NM_001035.3 (MANE Select); coding-DNA position 254, C replaced by A.
Protein change: p.Thr85Asn; replaces threonine 85 with asparagine.
Molecular consequence: missense variant.
Genome position (GRCh38, 1-based): chr1:237,330,963, C>A. VCF-style: chr1-237330963-C-A. GRCh37 (hg19) VCF-style: chr1-237494263-C-A.
Other names: short protein forms T85N.
Identifiers: ClinVar variation 944751 (VCV000944751.11), dbSNP rs772005577, ClinGen allele CA345654709.